The following is an entry in ClinVar:

NM_001347721.2(DYRK1A):c.748_749del (p.Leu250fs)

Gene: DYRK1A (dual specificity tyrosine phosphorylation regulated kinase 1A; plus strand). Cytogenetic location: 21q22.13.
Variant type: Deletion.
Coding change: c.748_749del on transcript NM_001347721.2 (MANE Select); coding-DNA positions 748 to 749, 2 bases deleted (TT; older notation c.748_749delTT).
Protein change: p.Leu250fs; shifts the reading frame from leucine 250.
Molecular consequence: frameshift variant.
Genome position (GRCh38, 1-based): chr21:37,490,285-37,490,286, TT deleted; deleting any 2 consecutive bases within chr21:37,490,284-37,490,286 gives the same sequence; the c. name uses the placement nearest the transcript's 3' end. VCF-style (leftmost placement, unchanged base first): chr21-37490283-CTT-C. GRCh37 (hg19) VCF-style: chr21-38862585-CTT-C.
Other names: c.748_749del, p.Leu250fs (NM_001347722.2, NM_130436.2); c.661_662del, p.Leu221fs (NM_001347723.2); c.775_776del, p.Leu259fs (NM_001396.5, NM_101395.2, NM_130438.2); short protein forms L250fs, L221fs, L259fs.
Identifiers: ClinVar variation 1374418 (VCV001374418.9), dbSNP rs2148612654, ClinGen allele CA2573157426.

ClinVar aggregate classification (germline): Pathogenic/Likely pathogenic. Review status: criteria provided, multiple submitters, no conflicts (2 of 4 stars). 3 submissions from 3 submitters: Pathogenic (2); Likely pathogenic (1). Last evaluated 2024-12-30.

Conditions:
DYRK1A-related disorder.
DYRK1A-related intellectual disability syndrome (MRD7). Also called: DYRK1A Syndrome; Intellectual developmental disorder, autosomal dominant 7. Identifiers: Orphanet 464306, MedGen C5568143, MONDO:0013578, OMIM 614104.

Submissions (3):

GeneDx
Classification: Pathogenic. Last evaluated: 2024-12-30. Review status: criteria provided, single submitter. Criteria: GeneDx Variant Classification Process June 2021. Collection method: clinical testing. Allele origin: germline. Affected: yes.
Comment: Reported in an individual with a neurodevelopmental disorder; however, segregation and detailed clinical information were not provided (PMID: 28191889); Frameshift variant predicted to result in protein truncation or nonsense mediated decay in a gene for which loss of function is a known mechanism of disease; Not observed at significant frequency in large population cohorts (gnomAD); This variant is associated with the following publications: (PMID: 33004838, 28191889)

Blueprint Genetics
Classification: Likely pathogenic for DYRK1A-related disorders. Last evaluated: 2022-02-18. Review status: criteria provided, single submitter. Criteria: ACMG Guidelines, 2015. Collection method: clinical testing. Allele origin: germline. Affected: yes. Observed: 1 variant allele.

Labcorp Genetics (formerly Invitae), Labcorp
Classification: Pathogenic for DYRK1A-related intellectual disability syndrome. Last evaluated: 2020-12-28. Review status: criteria provided, single submitter. Criteria: Invitae Variant Classification Sherloc (09022015). Collection method: clinical testing. Allele origin: germline.
Comment: For these reasons, this variant has been classified as Pathogenic. This variant has not been reported in the literature in individuals with DYRK1A-related conditions. This variant is not present in population databases (ExAC no frequency). This sequence change creates a premature translational stop signal (p.Leu259Glufs*23) in the DYRK1A gene. It is expected to result in an absent or disrupted protein product. Loss-of-function variants in DYRK1A are known to be pathogenic (PMID: 25944381).

Literature cited by the submitters: PubMed 25944381 (cited by Labcorp Genetics (formerly Invitae), Labcorp).